The following is an entry in ClinVar:

ClinVar aggregate classification (germline): Uncertain significance (1 of 4 stars; one submission).

Allele frequency attached by ClinVar (database versions not stated): gnomAD exomes below 0.00001.

Submission:

Labcorp Genetics (formerly Invitae), Labcorp
Classification: Uncertain significance. Last evaluated: 2021-11-23. Review status: criteria provided, single submitter. Criteria: Invitae Variant Classification Sherloc (09022015). Collection method: clinical testing. Allele origin: germline.
Comment: The frequency data for this variant in the population databases is considered unreliable, as metrics indicate poor data quality at this position in the gnomAD database. This sequence change replaces valine, which is neutral and non-polar, with alanine, which is neutral and non-polar, at codon 5 of the ITGAM protein (p.Val5Ala). This variant has not been reported in the literature in individuals affected with ITGAM-related conditions. In summary, the available evidence is currently insufficient to determine the role of this variant in disease. Therefore, it has been classified as a Variant of Uncertain Significance. Algorithms developed to predict the effect of missense changes on protein structure and function output the following: SIFT: "Tolerated"; PolyPhen-2: "Not Available"; Align-GVGD: "Class C0". The alanine amino acid residue is found in multiple mammalian species, which suggests that this missense change does not adversely affect protein function.

NM_000632.4(ITGAM):c.14T>C (p.Val5Ala)

Gene: ITGAM (integrin subunit alpha M; plus strand). Cytogenetic location: 16p11.2.
Variant type: single nucleotide variant.
Coding change: c.14T>C on transcript NM_000632.4 (MANE Select); coding-DNA position 14, T replaced by C.
Protein change: p.Val5Ala; replaces valine 5 with alanine.
Molecular consequence: missense variant.
Genome position (GRCh38, 1-based): chr16:31,260,078, T>C. VCF-style: chr16-31260078-T-C. GRCh37 (hg19) VCF-style: chr16-31271399-T-C.
Other names: c.14T>C, p.Val5Ala (NM_001145808.2); short protein forms V5A.
Identifiers: ClinVar variation 1490534 (VCV001490534.6), dbSNP rs1358430663, ClinGen allele CA395677891.